The following is an entry in ClinVar:

ClinVar aggregate classification (germline): Likely pathogenic (1 of 4 stars; one submission).

Conditions:
Cornelia de Lange syndrome 1 (CDLS1). Also called: TYPUS DEGENERATIVUS AMSTELODAMENSIS; NIPBL-Related Cornelia de Lange Syndrome; Brachmann de Lange syndrome. Identifiers: Orphanet 199, MedGen C4551851, MONDO:0007387, OMIM 122470.

Submission:

Genetics Laboratory, UDIAT-Centre Diagnòstic, Hospital Universitari Parc Tauli
Classification: Likely pathogenic for Cornelia de Lange syndrome 1. Last evaluated: 2022-11-11. Review status: criteria provided, single submitter. Criteria: ACMG Guidelines, 2015. Collection method: clinical testing. Allele origin: unknown. Inheritance: Autosomal dominant inheritance. Affected: yes.
Comment: PM2_supporting;PM6_moderate;PP3_supporting

NM_133433.4(NIPBL):c.7655A>T (p.His2552Leu)

Gene: NIPBL (NIPBL cohesin loading factor; plus strand). Cytogenetic location: 5p13.2.
Variant type: single nucleotide variant.
Coding change: c.7655A>T on transcript NM_133433.4 (MANE Select); coding-DNA position 7655, A replaced by T.
Protein change: p.His2552Leu; replaces histidine 2552 with leucine.
Molecular consequence: missense variant.
Genome position (GRCh38, 1-based): chr5:37,059,135, A>T. VCF-style: chr5-37059135-A-T. GRCh37 (hg19) VCF-style: chr5-37059237-A-T.
Other names: c.7655A>T, p.His2552Leu (NM_015384.5); short protein forms H2552L.
Identifiers: ClinVar variation 3897590 (VCV003897590.1).